The following is an entry in ClinVar:

NM_015178.3(RHOBTB2):c.1453C>T (p.Arg485Cys)

Gene: RHOBTB2 (Rho related BTB domain containing 2; plus strand). Cytogenetic location: 8p21.3.
Variant type: single nucleotide variant.
Coding change: c.1453C>T on transcript NM_015178.3 (MANE Select); coding-DNA position 1453, C replaced by T.
Protein change: p.Arg485Cys; replaces arginine 485 with cysteine.
Molecular consequence: missense variant.
Genome position (GRCh38, 1-based): chr8:23,007,698, C>T. VCF-style: chr8-23007698-C-T. GRCh37 (hg19) VCF-style: chr8-22865211-C-T.
Other names: c.1519C>T, p.Arg507Cys (NM_001160036.2); c.1474C>T, p.Arg492Cys (NM_001160037.2); c.1453C>T, p.Arg485Cys (NM_001374791.1); short protein forms R507C, R492C, R485C.
Identifiers: ClinVar variation 617912 (VCV000617912.53), dbSNP rs1563292586, ClinGen allele CA370569385.

ClinVar aggregate classification (germline): Pathogenic/Likely pathogenic. Review status: criteria provided, multiple submitters, no conflicts (2 of 4 stars). 8 submissions from 8 submitters: Pathogenic (4); Likely pathogenic (4). Last evaluated 2025-04-14.

Conditions:
Developmental and epileptic encephalopathy, 64. Also called: EPILEPTIC ENCEPHALOPATHY, EARLY INFANTILE, 64. Identifiers: MedGen C4693899, MONDO:0033373, OMIM 618004.

Submissions (8):

Labcorp Genetics (formerly Invitae), Labcorp
Classification: Pathogenic. Last evaluated: 2025-04-14. Review status: criteria provided, single submitter. Criteria: Invitae Variant Classification Sherloc (09022015). Collection method: clinical testing. Allele origin: germline.
Comment: This sequence change replaces arginine, which is basic and polar, with cysteine, which is neutral and slightly polar, at codon 507 of the RHOBTB2 protein (p.Arg507Cys). This variant is not present in population databases (gnomAD no frequency). This missense change has been observed in individual(s) with RHOBTB2-related conditions (PMID: 33504645, 33619735; internal data). In at least one individual the variant was observed to be de novo. ClinVar contains an entry for this variant (Variation ID: 617912). Invitae Evidence Modeling of protein sequence and biophysical properties (such as structural, functional, and spatial information, amino acid conservation, physicochemical variation, residue mobility, and thermodynamic stability) indicates that this missense variant is not expected to disrupt RHOBTB2 protein function with a negative predictive value of 80%. For these reasons, this variant has been classified as Pathogenic.

GeneDx
Classification: Pathogenic. Last evaluated: 2023-09-22. Review status: criteria provided, single submitter. Criteria: GeneDx Variant Classification Process June 2021. Collection method: clinical testing. Allele origin: germline. Affected: yes.
Comment: Not observed at significant frequency in large population cohorts (gnomAD); In silico analysis supports that this missense variant has a deleterious effect on protein structure/function; This variant is associated with the following publications: (PMID: 29768694, 37090824, 37165955, 33619735)

CeGaT Center for Human Genetics Tuebingen
Classification: Likely pathogenic. Last evaluated: 2023-09-01. Review status: criteria provided, single submitter. Criteria: CeGaT Center For Human Genetics Tuebingen Variant Classification Criteria Version 2. Collection method: clinical testing. Allele origin: germline. Affected: yes. Observed: 2 variant alleles.
Comment: RHOBTB2: PS2, PM2, PS4:Moderate

Illumina Laboratory Services, Illumina
Classification: Pathogenic for Developmental and epileptic encephalopathy, 64. Last evaluated: 2023-02-10. Review status: criteria provided, single submitter. Criteria: ICSLVariantClassificationCriteria RUGD 01 April 2020. Collection method: clinical testing. Allele origin: unknown.
Comment: The RHOBTB2 c.1519C>T (p.Arg507Cys) missense variant results in the substitution of arginine at amino acid position 507 with cysteine. This variant has been reported in a heterozygous state in a total of three individuals with developmental and epileptic encephalopathy, including two individuals in whom the variant was found in a de novo state and one individual in whom the inhertiance of the variant was unknown (PMID: 29768694; PMID: 33619735; PMID: 33504645). This variant is not found in version 2.1.1 or version 3.1.2 of the Genome Aggregation Database. Transient expression in Neuro2a cells demonstrated that the p.Arg507Cys variant was significantly more abundant than wild-type and escaped protesomal degradation. Co-expression of CUL3 with RHOBTB2 resulted in a decrease in levels of wild-type RHOBTB2 but not that of the variant protein suggesting that the variant affects degradation by the CUL3 ubiquitin ligase complex (PMID: 29768694). The Arg507 residue is located at the C-terminal end of the first BTB domain with several clinically significant missense variants reported in the vicinity (PMID: 29276004). Based on the available evidence, the c.1519C>T (p.Arg507Cys) variant is classified as pathogenic for developmental and epileptic encephalopathy.

Institute of Human Genetics, University of Leipzig Medical Center
Classification: Likely pathogenic for Developmental and epileptic encephalopathy, 64. Last evaluated: 2022-07-04. Review status: criteria provided, single submitter. Criteria: ACMG Guidelines, 2015. Collection method: clinical testing. Allele origin: de novo. Affected: yes.
Comment: This variant was identified as de novo (maternity and paternity confirmed)._x000D_ Criteria applied: PS2, PS4_MOD, PM1, PM2_SUP, PP3

Clinical Genetics Laboratory, Skane University Hospital Lund
Classification: Likely pathogenic. Last evaluated: 2022-05-27. Review status: criteria provided, single submitter. Criteria: ACMG Guidelines, 2015. Collection method: clinical testing. Allele origin: germline. Affected: yes.

Institute of Human Genetics Munich, TUM University Hospital
Classification: Pathogenic for Developmental and epileptic encephalopathy, 64. Last evaluated: 2019-08-07. Review status: criteria provided, single submitter. Criteria: Classification criteria August 2017. Collection method: clinical testing. Allele origin: de novo. Inheritance: Autosomal dominant inheritance. Affected: yes. Observed: 1 heterozygote.

SIB Swiss Institute of Bioinformatics
Classification: Likely pathogenic for Developmental and epileptic encephalopathy, 64. Last evaluated: 2018-10-15. Review status: criteria provided, single submitter. Criteria: ACMG Guidelines, 2015. Collection method: curation. Allele origin: unknown.
Comment: This variant is interpreted as Likely Pathogenic, for Epileptic encephalopathy, early infantile, 64, autosomal dominant. The following ACMG Tag(s) were applied: PM2 => Absent from controls (or at extremely low frequency if recessive) in Exome Sequencing Project, 1000 Genomes Project, or Exome Aggregation Consortium. PP3 => Multiple lines of computational evidence support a deleterious effect on the gene or gene product. PS2 => De novo (paternity and maternity confirmed) (PubMed 29768694).

Literature cited by the submitters: PubMed 33504645 (cited by Labcorp Genetics (formerly Invitae), Labcorp and Illumina Laboratory Services, Illumina); PubMed 33619735 (cited by Labcorp Genetics (formerly Invitae), Labcorp and Illumina Laboratory Services, Illumina); PubMed 29768694 (cited by Illumina Laboratory Services, Illumina and SIB Swiss Institute of Bioinformatics); PubMed 29276004 (cited by Illumina Laboratory Services, Illumina).